The following is an entry in ClinVar:

NM_005909.5(MAP1B):c.3937C>T (p.Pro1313Ser)

Gene: MAP1B (microtubule associated protein 1B; plus strand). Cytogenetic location: 5q13.2.
Variant type: single nucleotide variant.
Coding change: c.3937C>T on transcript NM_005909.5 (MANE Select); coding-DNA position 3937, C replaced by T.
Protein change: p.Pro1313Ser; replaces proline 1313 with serine.
Molecular consequence: missense variant.
Genome position (GRCh38, 1-based): chr5:72,197,292, C>T. VCF-style: chr5-72197292-C-T. GRCh37 (hg19) VCF-style: chr5-71493119-C-T.
Other names: c.3559C>T, p.Pro1187Ser (NM_001324255.2); c.3937C>T (NM_005909.4); short protein forms P1313S, P1187S.
Identifiers: ClinVar variation 4624236 (VCV004624236.2).

ClinVar aggregate classification (germline): Uncertain significance. Review status: criteria provided, multiple submitters, no conflicts (2 of 4 stars). 2 submissions from 2 submitters: Uncertain significance (2). Last evaluated 2026-05-29.

Conditions:
MAP1B-related disorder. Also called: MAP1B-related condition.
Inborn genetic diseases. Identifiers: MedGen C0950123, MeSH D030342.

gnomAD v4.1: 25 of 1,614,056 alleles (0.0015%); highest among the groups gnomAD compares: South Asian, 0.0088%; 1 homozygote.

Submissions (2):

PreventionGenetics, part of Exact Sciences
Classification: Uncertain significance for MAP1B-related condition. Last evaluated: 2026-05-29. Review status: criteria provided, single submitter. Criteria: ACMG Guidelines, 2015. Collection method: clinical testing. Allele origin: germline.
Comment: The MAP1B c.3937C>T variant is predicted to result in the amino acid substitution p.Pro1313Ser. To our knowledge, this variant has not been reported in the literature. This variant is reported in 0.0029% of alleles in individuals of Latino descent in gnomAD. At this time, the clinical significance of this variant is uncertain due to the absence of conclusive functional and genetic evidence.

Ambry Genetics
Classification: Uncertain significance for Inborn genetic diseases. Last evaluated: 2025-09-28. Review status: criteria provided, single submitter. Criteria: Ambry Variant Classification Scheme 2023. Collection method: clinical testing. Allele origin: germline.